The following is an entry in ClinVar:

ClinVar aggregate classification (germline): Uncertain significance. Review status: criteria provided, multiple submitters, no conflicts (2 of 4 stars). 2 submissions from 2 submitters: Uncertain significance (2). Last evaluated 2023-05-05.

Conditions:
Hereditary cancer-predisposing syndrome. Also called: Hereditary Cancer Syndrome; Hereditary neoplastic syndrome; Tumor predisposition; Neoplastic Syndromes, Hereditary. Identifiers: Orphanet 140162, MedGen C0027672, MeSH D009386, MONDO:0015356.
Cardiovascular phenotype. Identifiers: MedGen CN230736.

Submissions (2):

Ambry Genetics
Classification: Uncertain significance for Cardiovascular phenotype; Hereditary cancer-predisposing syndrome. Last evaluated: 2023-05-05. Review status: criteria provided, single submitter. Criteria: Ambry Variant Classification Scheme 2023. Collection method: clinical testing. Allele origin: germline.
Comment: The c.320+5G>C intronic variant results from a G to C substitution 5 nucleotides after coding exon 3 in the LZTR1 gene. This nucleotide position is highly conserved in available vertebrate species. In silico splice site analysis predicts that this alteration will weaken the native splice donor site; however, direct evidence is insufficient at this time (Ambry internal data). Since supporting evidence is limited at this time, the clinical significance of this alteration remains unclear.

Labcorp Genetics (formerly Invitae), Labcorp
Classification: Uncertain significance. Last evaluated: 2023-03-14. Review status: criteria provided, single submitter. Criteria: Invitae Variant Classification Sherloc (09022015). Collection method: clinical testing. Allele origin: germline.
Comment: This variant is not present in population databases (gnomAD no frequency). This variant has not been reported in the literature in individuals affected with LZTR1-related conditions. Variants that disrupt the consensus splice site are a relatively common cause of aberrant splicing (PMID: 17576681, 9536098). Algorithms developed to predict the effect of sequence changes on RNA splicing suggest that this variant may disrupt the consensus splice site. In summary, the available evidence is currently insufficient to determine the role of this variant in disease. Therefore, it has been classified as a Variant of Uncertain Significance. This sequence change falls in intron 3 of the LZTR1 gene. It does not directly change the encoded amino acid sequence of the LZTR1 protein. It affects a nucleotide within the consensus splice site.

Literature cited by the submitters: PubMed 17576681 (cited by Labcorp Genetics (formerly Invitae), Labcorp); PubMed 9536098 (cited by Labcorp Genetics (formerly Invitae), Labcorp).

NM_006767.4(LZTR1):c.320+5G>C

Gene: LZTR1 (leucine zipper like post translational regulator 1; plus strand). Cytogenetic location: 22q11.21.
Variant type: single nucleotide variant.
Coding change: c.320+5G>C on transcript NM_006767.4 (MANE Select); 5 bases into the intron after coding-DNA position 320, G replaced by C.
Molecular consequence: intron variant.
Genome position (GRCh38, 1-based): chr22:20,985,902, G>C. VCF-style: chr22-20985902-G-C. GRCh37 (hg19) VCF-style: chr22-21340191-G-C.
Other names: c.320+5G>C (NM_006767.3).
Identifiers: ClinVar variation 2905521 (VCV002905521.4), dbSNP rs1555927336, ClinGen allele CA2655462926.
Genomic context (GRCh38, chr22:20,985,902, plus strand): 5'-AAGACCATGCTCAATGACCTCCTGCGGTTCGATGTGAAAGACTGCTCCTGGTGCAGGTGG[G>C]TGGCCCCGTGCTCCAGGGCCCTGCCTTTCCTCCTAGAACACAGTGGCACAGTGCTGGGTC-3'